The following is an entry in ClinVar:

ClinVar aggregate classification (germline): Uncertain significance (1 of 4 stars; one submission).

Conditions:
Peroxisome biogenesis disorder 3A (Zellweger). Also called: Peroxisome biogenesis disorder 3A; PEROXISOMAL BIOGENESIS DISORDER 3A (ZELLWEGER). Identifiers: Orphanet 912, MedGen C3553929, MONDO:0013927, OMIM 614859.

Submission:

Labcorp Genetics (formerly Invitae), Labcorp
Classification: Uncertain significance for Peroxisome biogenesis disorder 3A (Zellweger). Last evaluated: 2021-08-10. Review status: criteria provided, single submitter. Criteria: Invitae Variant Classification Sherloc (09022015). Collection method: clinical testing. Allele origin: germline.
Comment: In summary, the available evidence is currently insufficient to determine the role of this variant in disease. Therefore, it has been classified as a Variant of Uncertain Significance. Algorithms developed to predict the effect of missense changes on protein structure and function are either unavailable or do not agree on the potential impact of this missense change (SIFT: "Tolerated"; PolyPhen-2: "Probably Damaging"; Align-GVGD: "Class C0"). This variant has not been reported in the literature in individuals affected with PEX12-related conditions. This variant is not present in population databases (ExAC no frequency). This sequence change replaces proline with alanine at codon 49 of the PEX12 protein (p.Pro49Ala). The proline residue is highly conserved and there is a small physicochemical difference between proline and alanine.

NM_000286.3(PEX12):c.145C>G (p.Pro49Ala)

Gene: PEX12 (peroxisomal biogenesis factor 12; minus strand). Cytogenetic location: 17q12.
Variant type: single nucleotide variant.
Coding change: c.145C>G on transcript NM_000286.3 (MANE Select); coding-DNA position 145, C replaced by G.
Protein change: p.Pro49Ala; replaces proline 49 with alanine.
Molecular consequence: missense variant.
Genome position (GRCh38, 1-based): chr17:35,577,573, G>C on the plus strand (C>G on the coding strand, the complement: PEX12 is on the minus strand). VCF-style: chr17-35577573-G-C. GRCh37 (hg19) VCF-style: chr17-33904592-G-C.
Other names: short protein forms P49A.
Identifiers: ClinVar variation 1409555 (VCV001409555.6), dbSNP rs2142231256, ClinGen allele CA399138766.
Genomic context (GRCh38, chr17:35,577,573, plus strand): 5'-GAAGATCTAGCAGAGTAAAGATTTCATCAAACCACCTCCACAAGAAGCCATAGTGGGTGG[G>C]ATTTGATTCTGCAAGAACCTAAAGCAAAATAAAGCAATAAGTGAAATTCATTCCATTACA-3'
Protein context (NP_000277.1, residues 39-59): HVVKVLAESN[Pro49Ala]THYGFLWRWF